The following is an entry in ClinVar:

NM_000051.4(ATM):c.6112C>G (p.His2038Asp)

Genes: ATM (ATM serine/threonine kinase; plus strand), C11orf65 (chromosome 11 open reading frame 65; minus strand). Cytogenetic location: 11q22.3.
Variant type: single nucleotide variant.
Coding change: c.6112C>G on transcript NM_000051.4 (MANE Select); coding-DNA position 6112, C replaced by G.
Protein change: p.His2038Asp; replaces histidine 2038 with aspartic acid.
Molecular consequence: missense variant. On other transcripts: intron variant (2).
Genome position (GRCh38, 1-based): chr11:108,316,027, C>G. VCF-style: chr11-108316027-C-G. GRCh37 (hg19) VCF-style: chr11-108186754-C-G.
Other names: c.6112C>G, p.His2038Asp (NM_001351834.2); c.641-6956G>C (NM_001330368.2); c.*39-6956G>C (NM_001351110.2); short protein forms H2038D.
Identifiers: ClinVar variation 1019931 (VCV001019931.7), dbSNP rs1060501643, ClinGen allele CA382550369.

ClinVar aggregate classification (germline): Uncertain significance (1 of 4 stars; one submission).

Conditions:
Ataxia-telangiectasia syndrome (AT). Also called: Ataxia telangiectasia (A-T); ATAXIA-TELANGIECTASIA, COMPLEMENTATION GROUP A; ATAXIA-TELANGIECTASIA, FRESNO VARIANT; Ataxia-telangiectasia; Ataxia-telangiectasia, complementation group E; LOUIS-BAR SYNDROME. Identifiers: Orphanet 100, MedGen C0004135, MONDO:0008840, OMIM 208900.

Submission:

Labcorp Genetics (formerly Invitae), Labcorp
Classification: Uncertain significance for Ataxia-telangiectasia syndrome. Last evaluated: 2022-08-31. Review status: criteria provided, single submitter. Criteria: Invitae Variant Classification Sherloc (09022015). Collection method: clinical testing. Allele origin: germline.
Comment: This sequence change replaces histidine, which is basic and polar, with aspartic acid, which is acidic and polar, at codon 2038 of the ATM protein (p.His2038Asp). This variant is not present in population databases (gnomAD no frequency). This variant has not been reported in the literature in individuals affected with ATM-related conditions. ClinVar contains an entry for this variant (Variation ID: 1019931). Advanced modeling of protein sequence and biophysical properties (such as structural, functional, and spatial information, amino acid conservation, physicochemical variation, residue mobility, and thermodynamic stability) performed at Invitae indicates that this missense variant is not expected to disrupt ATM protein function. In summary, the available evidence is currently insufficient to determine the role of this variant in disease. Therefore, it has been classified as a Variant of Uncertain Significance.